The following is an entry in ClinVar:

NM_000337.6(SGCD):c.839C>A (p.Ser280Tyr)

Gene: SGCD (sarcoglycan delta; plus strand). Cytogenetic location: 5q33.3.
Variant type: single nucleotide variant.
Coding change: c.839C>A on transcript NM_000337.6 (MANE Select); coding-DNA position 839, C replaced by A.
Protein change: p.Ser280Tyr; replaces serine 280 with tyrosine.
Molecular consequence: missense variant.
Genome position (GRCh38, 1-based): chr5:156,759,356, C>A. VCF-style: chr5-156759356-C-A. GRCh37 (hg19) VCF-style: chr5-156186367-C-A.
Other names: c.836C>A, p.Ser279Tyr (NM_001128209.2); short protein forms S280Y, S279Y.
Identifiers: ClinVar variation 43357 (VCV000043357.5), dbSNP rs397516337, ClinGen allele CA132472.
Genomic context (GRCh38, chr5:156,759,356, plus strand): 5'-TCTTCGAGATCTGCGTCTGCGCCAATGGGAGATTATTCCTGTCTCAGGCAGGAGCTGGGT[C>A]CACTTGTCAGATAAACACAAGTGTCTGCCTCTGAAAGACTATCCATAGTGGACATTGTTG-3'
Protein context (NP_000328.2, residues 270-290): RLFLSQAGAG[Ser280Tyr]TCQINTSVCL

ClinVar aggregate classification (germline): Uncertain significance (1 of 4 stars; one submission).

gnomAD v4.1: 1 of 1,611,676 alleles (0.000062%); highest among the groups gnomAD compares: Non-Finnish European, 0.000085%; no homozygotes.

Submission:

Laboratory for Molecular Medicine, Mass General Brigham Personalized Medicine
Classification: Uncertain significance. Last evaluated: 2012-06-01. Review status: criteria provided, single submitter. Criteria: LMM Criteria. Collection method: clinical testing. Allele origin: germline. Observed: 1 variant allele.
Comment: The Ser280Tyr variant in SGCD has not been reported in the literature nor previo usly identified by our laboratory. Computational analyses (biochemical amino aci d properties, conservation, AlignGVGD, PolyPhen2, and SIFT) suggest that the Ser 280Tyr variant may impact the protein, though this information is not predictive enough to determine pathogenicity. Additional information is needed to fully as sess the clinical significance of this variant.